The following is an entry in ClinVar:

NM_013450.4(BAZ2B):c.850GAT[2] (p.Asp286del)

Gene: BAZ2B (bromodomain adjacent to zinc finger domain 2B; minus strand). Cytogenetic location: 2q24.2.
Variant type: Microsatellite.
Coding change: c.850GAT[2] on transcript NM_013450.4 (MANE Select); two copies in a row of the 3-base unit GAT starting at c.850; the reference has three copies in a row; one copy, 3 bases deleted.
Protein change: p.Asp286del; deletes aspartic acid 286.
Molecular consequence: inframe deletion.
Genome position (GRCh38, 1-based): chr2:159,439,051-159,439,053, ATC deleted on the plus strand (GAT on the coding strand, the reverse complement: BAZ2B is on the minus strand); deleting any 3 consecutive bases within chr2:159,439,051-159,439,059 gives the same sequence; the position shown is the placement nearest the transcript's 3' end. VCF-style (leftmost placement, unchanged base first): chr2-159439050-AATC-A. GRCh37 (hg19) VCF-style: chr2-160295561-AATC-A.
Other names: c.844GAT[2], p.Asp284del (NM_001289975.1); c.661GAT[2], p.Asp223del (NM_001329857.2); c.850GAT[2], p.Asp286del (NM_001329858.2); short protein forms D223del, D284del, D286del.
Identifiers: ClinVar variation 4076567 (VCV004076567.1).
Genomic context (GRCh38, chr2:159,439,050, plus strand): 5'-TCCATGAAAAAAATTATACCTGGTTGTTACTTTTATGTTGTGCTTCACTCTCTGAATCAG[AATC>A]ATCATCTTCACTTTCTTCAATACTTTGATCTTCTTCTTCTTCATCTTCTTCTAGATCATC-3'

ClinVar aggregate classification (germline): Uncertain significance (1 of 4 stars; one submission).

Submission:

GeneDx
Classification: Uncertain significance. Last evaluated: 2025-02-25. Review status: criteria provided, single submitter. Criteria: GeneDx Variant Classification Process June 2021. Collection method: clinical testing. Allele origin: germline. Affected: yes.
Comment: In-frame deletion of 1 amino acid(s) in a non-repeat region; In silico analysis supports a deleterious effect on protein structure/function; Has not been previously published as pathogenic or benign to our knowledge